The following is an entry in ClinVar:

NM_002841.4(PTPRG):c.1653A>T (p.Pro551=)

Gene: PTPRG (protein tyrosine phosphatase receptor type G; plus strand). Cytogenetic location: 3p14.2.
Variant type: single nucleotide variant.
Coding change: c.1653A>T on transcript NM_002841.4 (MANE Select); coding-DNA position 1653, A replaced by T.
Protein change: p.Pro551=; no amino-acid change (proline 551 retained).
Molecular consequence: synonymous variant.
Genome position (GRCh38, 1-based): chr3:62,203,448, A>T. VCF-style: chr3-62203448-A-T. GRCh37 (hg19) VCF-style: chr3-62189122-A-T.
Other names: c.1653A>T, p.Pro551= (NM_001375471.1).
Identifiers: ClinVar variation 2653926 (VCV002653926.24), dbSNP rs1467963955, ClinGen allele CA433993828.

ClinVar aggregate classification (germline): Likely benign (1 of 4 stars; one submission).

Submission:

CeGaT Center for Human Genetics Tuebingen
Classification: Likely benign. Last evaluated: 2023-03-01. Review status: criteria provided, single submitter. Criteria: CeGaT Center For Human Genetics Tuebingen Variant Classification Criteria Version 2. Collection method: clinical testing. Allele origin: germline. Affected: yes. Observed: 1 variant allele.
Comment: PTPRG: PM2:Supporting, BP4, BP7